The following is an entry in ClinVar:

NM_000051.4(ATM):c.3320T>C (p.Leu1107Ser)

Gene: ATM (ATM serine/threonine kinase; plus strand). Cytogenetic location: 11q22.3.
Variant type: single nucleotide variant.
Coding change: c.3320T>C on transcript NM_000051.4 (MANE Select); coding-DNA position 3320, T replaced by C.
Protein change: p.Leu1107Ser; replaces leucine 1107 with serine.
Molecular consequence: missense variant.
Genome position (GRCh38, 1-based): chr11:108,279,526, T>C. VCF-style: chr11-108279526-T-C. GRCh37 (hg19) VCF-style: chr11-108150253-T-C.
Other names: c.3320T>C, p.Leu1107Ser (NM_001351834.2); short protein forms L1107S.
Identifiers: ClinVar variation 1730199 (VCV001730199.2), dbSNP rs1060501711, ClinGen allele CA382517494.

ClinVar aggregate classification (germline): Uncertain significance (1 of 4 stars; one submission).

Conditions:
Hereditary cancer-predisposing syndrome. Also called: Neoplastic Syndromes, Hereditary; Tumor predisposition; Hereditary Cancer Syndrome; Hereditary neoplastic syndrome. Identifiers: Orphanet 140162, MedGen C0027672, MeSH D009386, MONDO:0015356.

Submission:

Ambry Genetics
Classification: Uncertain significance for Hereditary cancer-predisposing syndrome. Last evaluated: 2019-08-20. Review status: criteria provided, single submitter. Criteria: Ambry Variant Classification Scheme 2023. Collection method: clinical testing. Allele origin: germline.
Comment: The p.L1107S variant (also known as c.3320T>C), located in coding exon 22 of the ATM gene, results from a T to C substitution at nucleotide position 3320. The leucine at codon 1107 is replaced by serine, an amino acid with dissimilar properties. This amino acid position is not well conserved in available vertebrate species. In addition, this alteration is predicted to be tolerated by in silico analysis. Since supporting evidence is limited at this time, the clinical significance of this alteration remains unclear.